The following is an entry in ClinVar:

ClinVar aggregate classification (germline): Likely benign (0 of 4 stars; one submission).

Conditions:
ABCA7-related disorder. Also called: ABCA7-related condition.

Allele frequency attached by ClinVar (database versions not stated): gnomAD exomes below 0.00001.
gnomAD v4.1: 5 of 1,613,714 alleles (0.00031%); highest among the groups gnomAD compares: African/African-American, 0.004%; no homozygotes.

Submission:

PreventionGenetics, part of Exact Sciences
Classification: Likely benign for ABCA7-related condition. Last evaluated: 2019-09-18. Review status: no assertion criteria provided. Collection method: clinical testing. Allele origin: germline.
Comment: This variant is classified as likely benign based on ACMG/AMP sequence variant interpretation guidelines (Richards et al. 2015 PMID: 25741868, with internal and published modifications).

NM_019112.4(ABCA7):c.4524C>T (p.His1508=)

Gene: ABCA7 (ATP binding cassette subfamily A member 7; plus strand). Cytogenetic location: 19p13.3.
Variant type: single nucleotide variant.
Coding change: c.4524C>T on transcript NM_019112.4 (MANE Select); coding-DNA position 4524, C replaced by T.
Protein change: p.His1508=; no amino-acid change (histidine 1508 retained).
Molecular consequence: synonymous variant.
Genome position (GRCh38, 1-based): chr19:1,056,437, C>T. VCF-style: chr19-1056437-C-T. GRCh37 (hg19) VCF-style: chr19-1056436-C-T.
Identifiers: ClinVar variation 3040882 (VCV003040882.2), dbSNP rs1005606748, ClinGen allele CA504889312.